The following is an entry in ClinVar:

NM_003482.4(KMT2D):c.5768G>A (p.Arg1923Lys)

Gene: KMT2D (lysine methyltransferase 2D; minus strand). Cytogenetic location: 12q13.12.
Variant type: single nucleotide variant.
Coding change: c.5768G>A on transcript NM_003482.4 (MANE Select); coding-DNA position 5768, G replaced by A.
Protein change: p.Arg1923Lys; replaces arginine 1923 with lysine.
Molecular consequence: missense variant.
Genome position (GRCh38, 1-based): chr12:49,042,755, C>T on the plus strand (G>A on the coding strand, the complement: KMT2D is on the minus strand). VCF-style: chr12-49042755-C-T. GRCh37 (hg19) VCF-style: chr12-49436538-C-T.
Other names: short protein forms R1923K.
Identifiers: ClinVar variation 4528182 (VCV004528182.1).

ClinVar aggregate classification (germline): Uncertain significance (1 of 4 stars; one submission).

gnomAD v4.1: 1 of 1,613,546 alleles (0.000062%); highest among the groups gnomAD compares: Non-Finnish European, 0.000085%; no homozygotes.

Submission:

GeneDx
Classification: Uncertain significance. Last evaluated: 2025-05-07. Review status: criteria provided, single submitter. Criteria: GeneDx Variant Classification Process June 2021. Collection method: clinical testing. Allele origin: germline. Affected: yes.
Comment: Not observed at significant frequency in large population cohorts (gnomAD); In silico analysis suggests that this missense variant does not alter protein structure/function; Has not been previously published as pathogenic or benign to our knowledge